The following is an entry in ClinVar:

ClinVar aggregate classification (germline): Conflicting classifications of pathogenicity. Review status: criteria provided, conflicting classifications (1 of 4 stars). 4 submissions from 4 submitters: Uncertain significance (3); Likely benign (1). Last evaluated 2025-03-23.

Conditions:
Dilated cardiomyopathy 1G (CMD1G). Identifiers: Orphanet 154, MedGen C1858763, MONDO:0011400, OMIM 604145.
TTN-related disorder. Also called: TTN-related disorders; TTN-related condition; TTN-related disease.

Allele frequency attached by ClinVar (database versions not stated): gnomAD exomes 0.00001 and 0.00003; TOPMed 0.00002; ExAC 0.00003.
gnomAD v4.1: 17 of 1,612,674 alleles (0.0011%); highest among the groups gnomAD compares: Admixed American, 0.0067%; no homozygotes.

Submissions (4):

PreventionGenetics, part of Exact Sciences
Classification: Uncertain significance for TTN-related condition. Last evaluated: 2025-03-23. Review status: criteria provided, single submitter. Criteria: ACMG Guidelines, 2015. Collection method: clinical testing. Allele origin: germline.
Comment: The TTN c.5308A>G variant is predicted to result in the amino acid substitution p.Arg1770Gly. To our knowledge, this variant has not been reported in the literature. This variant is reported in 0.0087% of alleles in individuals of Latino descent in gnomAD. At this time, the clinical significance of this variant is uncertain due to the absence of conclusive functional and genetic evidence.

KardioGenetik, Herz- und Diabeteszentrum NRW
Classification: Uncertain significance for Dilated cardiomyopathy 1G. Last evaluated: 2024-01-29. Review status: criteria provided, single submitter. Criteria: ACMG Guidelines, 2015. Collection method: clinical testing. Allele origin: unknown. Observed: 1 variant allele.

Revvity Omics, Revvity
Classification: Uncertain significance. Last evaluated: 2023-11-30. Review status: criteria provided, single submitter. Criteria: ACMG Guidelines, 2015. Collection method: clinical testing. Allele origin: germline.

GeneDx
Classification: Likely benign. Last evaluated: 2021-01-21. Review status: criteria provided, single submitter. Criteria: GeneDx Variant Classification Process June 2021. Collection method: clinical testing. Allele origin: germline. Affected: yes.

NM_001267550.2(TTN):c.5308A>G (p.Arg1770Gly)

Gene: TTN (titin; minus strand). Cytogenetic location: 2q31.2.
Variant type: single nucleotide variant.
Coding change: c.5308A>G on transcript NM_001267550.2 (MANE Select); coding-DNA position 5308, A replaced by G.
Protein change: p.Arg1770Gly; replaces arginine 1770 with glycine.
Molecular consequence: missense variant.
Genome position (GRCh38, 1-based): chr2:178,776,556, T>C on the plus strand (A>G on the coding strand, the complement: TTN is on the minus strand). VCF-style: chr2-178776556-T-C. GRCh37 (hg19) VCF-style: chr2-179641283-T-C.
Other names: c.5308A>G, p.Arg1770Gly (NM_001256850.1, NM_133378.4, NM_133379.5); c.5170A>G, p.Arg1724Gly (NM_003319.4, NM_133432.3, NM_133437.4); short protein forms R1724G, R1770G.
Identifiers: ClinVar variation 1205452 (VCV001205452.6), dbSNP rs780733773, ClinGen allele CA2005199.
Genomic context (GRCh38, chr2:178,776,556, plus strand): 5'-CAGATGTGTGATCTGTTCCATATTTGTTAGTGGCTCTGCAAGTAATGATACCACTGTCTC[T>C]AGAATATGCAACGCCATAATCAAGGCTGCAGTACCCAAATTCATTGATCATACGGAGCCT-3'
Protein context (NP_001254479.2, residues 1760-1780): CSLDYGVAYS[Arg1770Gly]DSGIITCRAT